The following is an entry in ClinVar:

ClinVar aggregate classification (germline): Uncertain significance. Review status: criteria provided, multiple submitters, no conflicts (2 of 4 stars). 2 submissions from 2 submitters: Uncertain significance (2). Last evaluated 2025-04-11.

Conditions:
Inborn genetic diseases. Identifiers: MedGen C0950123, MeSH D030342.
Nephronophthisis 9 (NPHP9). Identifiers: Orphanet 655, MedGen C3151188, MONDO:0013444, OMIM 613824.

gnomAD v4.1: 18 of 1,614,014 alleles (0.0011%); highest among the groups gnomAD compares: Non-Finnish European, 0.0014%; no homozygotes.

Submissions (2):

Ambry Genetics
Classification: Uncertain significance for Inborn genetic diseases. Last evaluated: 2025-04-11. Review status: criteria provided, single submitter. Criteria: Ambry Variant Classification Scheme 2023. Collection method: clinical testing. Allele origin: germline.

Labcorp Genetics (formerly Invitae), Labcorp
Classification: Uncertain significance for Nephronophthisis 9. Last evaluated: 2024-11-19. Review status: criteria provided, single submitter. Criteria: Invitae Variant Classification Sherloc (09022015). Collection method: clinical testing. Allele origin: germline.
Comment: This sequence change replaces threonine, which is neutral and polar, with proline, which is neutral and non-polar, at codon 686 of the NEK8 protein (p.Thr686Pro). This variant is not present in population databases (gnomAD no frequency). This variant has not been reported in the literature in individuals affected with NEK8-related conditions. An algorithm developed to predict the effect of missense changes on protein structure and function (PolyPhen-2) suggests that this variant is likely to be tolerated. In summary, the available evidence is currently insufficient to determine the role of this variant in disease. Therefore, it has been classified as a Variant of Uncertain Significance.

NM_178170.3(NEK8):c.2056A>C (p.Thr686Pro)

Gene: NEK8 (NIMA related kinase 8; plus strand). Cytogenetic location: 17q11.2.
Variant type: single nucleotide variant.
Coding change: c.2056A>C on transcript NM_178170.3 (MANE Select); coding-DNA position 2056, A replaced by C.
Protein change: p.Thr686Pro; replaces threonine 686 with proline.
Molecular consequence: missense variant.
Genome position (GRCh38, 1-based): chr17:28,741,964, A>C. VCF-style: chr17-28741964-A-C. GRCh37 (hg19) VCF-style: chr17-27068982-A-C.
Other names: c.2056A>C (NM_178170.2); short protein forms T686P.
Identifiers: ClinVar variation 3729979 (VCV003729979.3).